The following is an entry in ClinVar:

NM_000038.6(APC):c.5702C>A (p.Thr1901Asn)

Gene: APC (APC regulator of Wnt signaling pathway; plus strand). Cytogenetic location: 5q22.2.
Variant type: single nucleotide variant.
Coding change: c.5702C>A on transcript NM_000038.6 (MANE Select); coding-DNA position 5702, C replaced by A.
Protein change: p.Thr1901Asn; replaces threonine 1901 with asparagine.
Molecular consequence: missense variant.
Genome position (GRCh38, 1-based): chr5:112,841,296, C>A. VCF-style: chr5-112841296-C-A. GRCh37 (hg19) VCF-style: chr5-112176993-C-A.
Other names: c.5702C>A, p.Thr1901Asn (NM_001127510.3, NM_001354895.2); c.5648C>A, p.Thr1883Asn (NM_001127511.3); c.5756C>A, p.Thr1919Asn (NM_001354896.2); c.5732C>A, p.Thr1911Asn (NM_001354897.2); c.5627C>A, p.Thr1876Asn (NM_001354898.2); c.5618C>A, p.Thr1873Asn (NM_001354899.2); c.5579C>A, p.Thr1860Asn (NM_001354900.2); c.5525C>A, p.Thr1842Asn (NM_001354901.2); and 5 more; short protein forms T1901N, T1883N, T1860N, T1876N, T1911N, T1919N, T1775N, T1810N.
Identifiers: ClinVar variation 630194 (VCV000630194.7), dbSNP rs72541814, ClinGen allele CA16033813.

ClinVar aggregate classification (germline): Uncertain significance. Review status: criteria provided, multiple submitters, no conflicts (2 of 4 stars). 2 submissions from 2 submitters: Uncertain significance (2). Last evaluated 2024-06-09.

Conditions:
Classic or attenuated familial adenomatous polyposis. Identifiers: MedGen CN372698, MONDO:0021057.
Hereditary cancer-predisposing syndrome. Also called: Neoplastic Syndromes, Hereditary; Tumor predisposition; Hereditary neoplastic syndrome; Hereditary Cancer Syndrome. Identifiers: Orphanet 140162, MedGen C0027672, MeSH D009386, MONDO:0015356.

gnomAD v4.1: 1 of 1,613,900 alleles (0.000062%); no homozygotes.

Submissions (2):

All of Us Research Program, National Institutes of Health
Classification: Uncertain significance for Classic or attenuated familial adenomatous polyposis. Last evaluated: 2024-06-09. Review status: criteria provided, single submitter. Criteria: ACMG Guidelines, 2015. Collection method: clinical testing. Allele origin: germline. Inheritance: Autosomal dominant inheritance. Observed: 2 variant alleles, 2 heterozygotes.
Comment: This missense variant replaces threonine with asparagine at codon 1901 of the APC protein. Computational prediction suggests that this variant may not impact protein structure and function (internally defined REVEL score threshold <= 0.5, PMID: 27666373). To our knowledge, functional studies have not been reported for this variant. This variant has not been reported in individuals affected with APC-related disorders in the literature. This variant has not been identified in the general population by the Genome Aggregation Database (gnomAD). The available evidence is insufficient to determine the role of this variant in disease conclusively. Therefore, this variant is classified as a Variant of Uncertain Significance.

This study involves interpretation of variants in research participants for the purpose of population health screening. Participant phenotype was not available at the time of variant classification. Additional details can be found in publication PMID: 35346344, PMCID: PMC8962531

Color Diagnostics, LLC DBA Color Health
Classification: Uncertain significance for Hereditary cancer-predisposing syndrome. Last evaluated: 2023-12-05. Review status: criteria provided, single submitter. Criteria: ACMG Guidelines, 2015. Collection method: clinical testing. Allele origin: germline.
Comment: This missense variant replaces threonine with asparagine at codon 1901 of the APC protein. Computational prediction suggests that this variant may not impact protein structure and function (internally defined REVEL score threshold <= 0.5, PMID: 27666373). To our knowledge, functional studies have not been reported for this variant. This variant has not been reported in individuals affected with APC-related disorders in the literature. This variant has not been identified in the general population by the Genome Aggregation Database (gnomAD). The available evidence is insufficient to determine the role of this variant in disease conclusively. Therefore, this variant is classified as a Variant of Uncertain Significance.